The following is an entry in ClinVar:

NM_006516.4(SLC2A1):c.56C>T (p.Ala19Val)

Gene: SLC2A1 (solute carrier family 2 member 1; minus strand). Cytogenetic location: 1p34.2.
Variant type: single nucleotide variant.
Coding change: c.56C>T on transcript NM_006516.4 (MANE Select); coding-DNA position 56, C replaced by T.
Protein change: p.Ala19Val; replaces alanine 19 with valine.
Molecular consequence: missense variant.
Genome position (GRCh38, 1-based): chr1:42,943,284, G>A on the plus strand (C>T on the coding strand, the complement: SLC2A1 is on the minus strand). VCF-style: chr1-42943284-G-A. GRCh37 (hg19) VCF-style: chr1-43408955-G-A.
Other names: short protein forms A19V.
Identifiers: ClinVar variation 572713 (VCV000572713.9), dbSNP rs1557651202, ClinGen allele CA339964846.
Genomic context (GRCh38, chr1:42,943,284, plus strand): 5'-ACCTTCTGGGGGGCATTGATGACTCCAGTGTTGTAGCCAAACTGCAGGGAGCCAAGCACT[G>A]CTCCTCCCACGGCCAGCATGAGGCGACCCGTCAGCTTCTGCGGAGAAACAAACCACACTG-3'
Protein context (NP_006507.2, residues 9-29): TGRLMLAVGG[Ala19Val]VLGSLQFGYN

ClinVar aggregate classification (germline): Uncertain significance (1 of 4 stars; one submission).

Conditions:
GLUT1 deficiency syndrome 1, autosomal recessive. Identifiers: MedGen C3149117.

Submission:

Labcorp Genetics (formerly Invitae), Labcorp
Classification: Uncertain significance for GLUT1 deficiency syndrome 1, autosomal recessive. Last evaluated: 2021-06-06. Review status: criteria provided, single submitter. Criteria: Invitae Variant Classification Sherloc (09022015). Collection method: clinical testing. Allele origin: germline.
Comment: In summary, the available evidence is currently insufficient to determine the role of this variant in disease. Therefore, it has been classified as a Variant of Uncertain Significance. Algorithms developed to predict the effect of missense changes on protein structure and function do not agree on the potential impact of this missense change (SIFT: "Tolerated"; PolyPhen-2: "Probably Damaging"; Align-GVGD: "Class C0"). This variant has not been reported in the literature in individuals with SLC2A1-related disease. This variant is not present in population databases (ExAC no frequency). This sequence change replaces alanine with valine at codon 19 of the SLC2A1 protein (p.Ala19Val). The alanine residue is highly conserved and there is a small physicochemical difference between alanine and valine.